The following is an entry in ClinVar:

ClinVar aggregate classification (germline): Uncertain significance (1 of 4 stars; one submission).

gnomAD v4.1: 1 of 1,608,044 alleles (0.000062%); no homozygotes.

Submission:

Labcorp Genetics (formerly Invitae), Labcorp
Classification: Uncertain significance. Last evaluated: 2023-08-30. Review status: criteria provided, single submitter. Criteria: Invitae Variant Classification Sherloc (09022015). Collection method: clinical testing. Allele origin: germline.
Comment: An algorithm developed to predict the effect of missense changes on protein structure and function (PolyPhen-2) suggests that this variant is likely to be tolerated. This variant has not been reported in the literature in individuals affected with LSR-related conditions. This variant is not present in population databases (gnomAD no frequency). This sequence change replaces aspartic acid, which is acidic and polar, with asparagine, which is neutral and polar, at codon 359 of the LSR protein (p.Asp359Asn). In summary, the available evidence is currently insufficient to determine the role of this variant in disease. Therefore, it has been classified as a Variant of Uncertain Significance.

NM_205834.4(LSR):c.931G>A (p.Asp311Asn)

Gene: LSR (lipolysis stimulated lipoprotein receptor; plus strand). Cytogenetic location: 19q13.12.
Variant type: single nucleotide variant.
Coding change: c.931G>A on transcript NM_205834.4 (MANE Select); coding-DNA position 931, G replaced by A.
Protein change: p.Asp311Asn; replaces aspartic acid 311 with asparagine.
Molecular consequence: missense variant.
Genome position (GRCh38, 1-based): chr19:35,266,511, G>A. VCF-style: chr19-35266511-G-A. GRCh37 (hg19) VCF-style: chr19-35757414-G-A.
Other names: c.874G>A, p.Asp292Asn (NM_001260489.2, NM_015925.7); c.607G>A, p.Asp203Asn (NM_001260490.2); c.727G>A, p.Asp243Asn (NM_001385215.1, NM_205835.4); short protein forms D203N, D243N, D292N, D311N.
Identifiers: ClinVar variation 2917243 (VCV002917243.3), dbSNP rs1599608046, ClinGen allele CA405288367.